The following is an entry in ClinVar:

ClinVar aggregate classification (germline): Pathogenic/Likely pathogenic. Review status: criteria provided, multiple submitters, no conflicts (2 of 4 stars). 2 submissions from 2 submitters: Pathogenic (1); Likely pathogenic (1). Last evaluated 2025-06-25.

Conditions:
Severe combined immunodeficiency, autosomal recessive, T cell-negative, B cell-negative, NK cell-positive. Also called: Severe combined immunodeficiency due to complete RAG1/2 deficiency; SCID, T CELL-NEGATIVE, B CELL-NEGATIVE, NK CELL-POSITIVE; SCID, AR, T-cell negative, B-cell negative, NK cell-positive. Identifiers: Orphanet 331206, MedGen C1832322, MONDO:0011086, OMIM 601457.
Combined immunodeficiency with skin granulomas. Identifiers: Orphanet 157949, MedGen C2673536, MONDO:0009306, OMIM 233650.
Histiocytic medullary reticulosis. Also called: SEVERE COMBINED IMMUNODEFICIENCY WITH HYPEREOSINOPHILIA; Omenn syndrome. Identifiers: Orphanet 39041, MedGen C2700553, MONDO:0011338, OMIM 603554.

Allele frequency attached by ClinVar (database versions not stated): gnomAD exomes below 0.00001 and 0.00001; gnomAD 0.00001; ExAC 0.00002.

Submissions (2):

Labcorp Genetics (formerly Invitae), Labcorp
Classification: Pathogenic for Combined immunodeficiency with skin granulomas; Severe combined immunodeficiency, autosomal recessive, T cell-negative, B cell-negative, NK cell-positive. Last evaluated: 2025-06-25. Review status: criteria provided, single submitter. Criteria: Invitae Variant Classification Sherloc (09022015). Collection method: clinical testing. Allele origin: germline.
Comment: This sequence change creates a premature translational stop signal (p.Glu199*) in the RAG2 gene. While this is not anticipated to result in nonsense mediated decay, it is expected to disrupt the last 329 amino acid(s) of the RAG2 protein. This variant is present in population databases (rs748727021, gnomAD 0.002%). This variant has not been reported in the literature in individuals affected with RAG2-related conditions. ClinVar contains an entry for this variant (Variation ID: 463972). This variant disrupts a region of the RAG2 protein in which other variant(s) (p.Glu480*) have been determined to be pathogenic (PMID: 21624848, 29772310). This suggests that this is a clinically significant region of the protein, and that variants that disrupt it are likely to be disease-causing. For these reasons, this variant has been classified as Pathogenic.

Natera, Inc.
Classification: Likely pathogenic for Omenn syndrome. Last evaluated: 2024-08-13. Review status: criteria provided, single submitter. Criteria: Natera Variant Classification Schema (03/2026). Collection method: clinical testing. Allele origin: germline.
Comment: The c.595G>T variant in RAG2 is a nonsense variant predicted to introduce a stop codon at amino acid 199. This variant is expected to result in nonsense mediated decay, truncation, or a dysfunctional protein product. This variant is rare in the general population with a frequency below the threshold expected for the associated phenotype(s). This variant has been observed in one or more individuals affected with the associated recessive disease, as either homozygous or compound heterozygous with a second variant (PMID: 32655540). Given the available evidence, this variant is classified as Likely Pathogenic.

Literature cited by the submitters: PubMed 21624848 (cited by Labcorp Genetics (formerly Invitae), Labcorp); PubMed 29772310 (cited by Labcorp Genetics (formerly Invitae), Labcorp); PubMed 32655540 (cited by Natera, Inc.).

NM_000536.4(RAG2):c.595G>T (p.Glu199Ter)

Gene: RAG2 (recombination activating 2; minus strand). Cytogenetic location: 11p12.
Variant type: single nucleotide variant.
Coding change: c.595G>T on transcript NM_000536.4 (MANE Select); coding-DNA position 595, G replaced by T.
Protein change: p.Glu199Ter; replaces glutamic acid 199 with a stop codon.
Molecular consequence: nonsense.
Genome position (GRCh38, 1-based): chr11:36,593,574, C>A on the plus strand (G>T on the coding strand, the complement: RAG2 is on the minus strand). VCF-style: chr11-36593574-C-A. GRCh37 (hg19) VCF-style: chr11-36615124-C-A.
Other names: c.595G>T, p.Glu199Ter (NM_001243785.2, NM_001243786.2); short protein forms E199*.
Identifiers: ClinVar variation 463972 (VCV000463972.11), dbSNP rs748727021, ClinGen allele CA5950551.